The following is an entry in ClinVar:

ClinVar aggregate classification (germline): Conflicting classifications of pathogenicity. Review status: criteria provided, conflicting classifications (1 of 4 stars). 5 submissions from 5 submitters: Uncertain significance (1); Likely benign (4). Last evaluated 2025-11-01.

Conditions:
Retinal dystrophy. Also called: Inherited retinal dystrophy. Identifiers: Orphanet 71862, MedGen C0854723, MeSH D058499, MONDO:0019118, HP:0000556.
PCARE-related disorder. Also called: PCARE-related condition.
Retinitis pigmentosa (RP). Identifiers: Orphanet 791, MedGen C0035334, MeSH D012174, MONDO:0019200, OMIM 268000. Inheritance: Autosomal dominant, autosomal recessive and X linked inheritance.

Allele frequency attached by ClinVar (database versions not stated): ExAC 0.00017; TOPMed 0.00029; 1000 Genomes Project 30x 0.00172; 1000 Genomes Project 0.00200; gnomAD 0.00013.

Submissions (5):

Labcorp Genetics (formerly Invitae), Labcorp
Classification: Likely benign. Last evaluated: 2025-11-01. Review status: criteria provided, single submitter. Criteria: Invitae Variant Classification Sherloc (09022015). Collection method: clinical testing. Allele origin: germline.

PreventionGenetics, part of Exact Sciences
Classification: Likely benign for PCARE-related condition. Last evaluated: 2024-11-12. Review status: criteria provided, single submitter. Criteria: ACMG Guidelines, 2015. Collection method: clinical testing. Allele origin: germline.
Comment: This variant is classified as likely benign based on ACMG/AMP sequence variant interpretation guidelines (Richards et al. 2015 PMID: 25741868, with internal and published modifications).

Blueprint Genetics
Classification: Likely benign. Last evaluated: 2024-04-19. Review status: criteria provided, single submitter. Criteria: ACMG Guidelines, 2015. Collection method: clinical testing. Allele origin: germline.

Dept Of Ophthalmology, Nagoya University
Classification: Likely benign for Retinal dystrophy. Last evaluated: 2023-10-01. Review status: criteria provided, single submitter. Criteria: Submitter's publication. Collection method: research. Allele origin: germline. Affected: yes.

Illumina Laboratory Services, Illumina
Classification: Uncertain significance for Retinitis pigmentosa. Last evaluated: 2018-01-13. Review status: criteria provided, single submitter. Criteria: ICSL Variant Classification Criteria 13 December 2019. Collection method: clinical testing. Allele origin: germline.

NM_001029883.3(PCARE):c.3527A>G (p.Gln1176Arg)

Gene: PCARE (photoreceptor cilium actin regulator; minus strand). Cytogenetic location: 2p23.2.
Variant type: single nucleotide variant.
Coding change: c.3527A>G on transcript NM_001029883.3 (MANE Select); coding-DNA position 3527, A replaced by G.
Protein change: p.Gln1176Arg; replaces glutamine 1176 with arginine.
Molecular consequence: missense variant.
Genome position (GRCh38, 1-based): chr2:29,070,735, T>C on the plus strand (A>G on the coding strand, the complement: PCARE is on the minus strand). VCF-style: chr2-29070735-T-C. GRCh37 (hg19) VCF-style: chr2-29293601-T-C.
Other names: short protein forms Q1176R.
Identifiers: ClinVar variation 752211 (VCV000752211.17), dbSNP rs182812191, ClinGen allele CA1591906.